The following is an entry in ClinVar:

NM_014264.5(PLK4):c.1020A>C (p.Gly340=)

Gene: PLK4 (polo like kinase 4; plus strand). Cytogenetic location: 4q28.1.
Variant type: single nucleotide variant.
Coding change: c.1020A>C on transcript NM_014264.5 (MANE Select); coding-DNA position 1020, A replaced by C.
Protein change: p.Gly340=; no amino-acid change (glycine 340 retained).
Molecular consequence: synonymous variant.
Genome position (GRCh38, 1-based): chr4:127,886,390, A>C. VCF-style: chr4-127886390-A-C. GRCh37 (hg19) VCF-style: chr4-128807545-A-C.
Other names: c.924A>C, p.Gly308= (NM_001190799.2); c.897A>C, p.Gly299= (NM_001190801.2).
Identifiers: ClinVar variation 436342 (VCV000436342.17), dbSNP rs7664937, ClinGen allele CA3076672.
Genomic context (GRCh38, chr4:127,886,390, plus strand): 5'-TAAAATGACTGTATTTCCAAAGAATAAAAGTTCAACTGATTTTTCTTCTTCAGGAGATGG[A>C]AACAGTTTTTATACTCAGTGGGGAAATCAAGAAACCAGTAATAGTGGAAGGGGAAGAGTA-3'
Protein context (NP_055079.3, residues 330-350): SSTDFSSSGD[Gly340=]NSFYTQWGNQ

ClinVar aggregate classification (germline): Benign/Likely benign. Review status: criteria provided, multiple submitters, no conflicts (2 of 4 stars). 4 submissions from 4 submitters: Benign (2); Likely benign (2). Last evaluated 2026-09-01.

Allele frequency attached by ClinVar (database versions not stated): gnomAD exomes 0.00029 and 0.00073; ExAC 0.00087; gnomAD 0.00297 and 0.00316; ESP Exome Variant Server 0.00308; TOPMed 0.00338; 1000 Genomes Project 0.00359; 1000 Genomes Project 30x 0.00375.

Submissions (4):

CeGaT Center for Human Genetics Tuebingen
Classification: Likely benign. Last evaluated: 2026-09-01. Review status: criteria provided, single submitter. Criteria: CeGaT Center For Human Genetics Tuebingen Variant Classification Criteria Version 2. Collection method: clinical testing. Allele origin: germline. Affected: yes. Observed: 1 variant allele.
Comment: PLK4: BP4, BP7, BS1

Labcorp Genetics (formerly Invitae), Labcorp
Classification: Benign. Last evaluated: 2026-02-01. Review status: criteria provided, single submitter. Criteria: Invitae Variant Classification Sherloc (09022015). Collection method: clinical testing. Allele origin: germline.

Blueprint Genetics
Classification: Likely benign. Last evaluated: 2024-09-23. Review status: criteria provided, single submitter. Criteria: ACMG Guidelines, 2015. Collection method: clinical testing. Allele origin: germline.

Genetic Services Laboratory, University of Chicago
Classification: Benign. Last evaluated: 2017-05-17. Review status: criteria provided, single submitter. Criteria: ACMG Guidelines, 2015. Collection method: clinical testing. Allele origin: germline. Affected: no.